The following is an entry in ClinVar:

NM_006642.5(SDCCAG8):c.1028T>C (p.Val343Ala)

Gene: SDCCAG8 (SHH signaling and ciliogenesis regulator SDCCAG8; plus strand). Cytogenetic location: 1q43.
Variant type: single nucleotide variant.
Coding change: c.1028T>C on transcript NM_006642.5 (MANE Select); coding-DNA position 1028, T replaced by C.
Protein change: p.Val343Ala; replaces valine 343 with alanine.
Molecular consequence: missense variant.
Genome position (GRCh38, 1-based): chr1:243,316,853, T>C. VCF-style: chr1-243316853-T-C. GRCh37 (hg19) VCF-style: chr1-243480155-T-C.
Other names: c.125T>C, p.Val42Ala (NM_001350246.2, NM_001350247.2, NM_001350251.2); c.1124T>C, p.Val375Ala (NM_001350248.2); c.734T>C, p.Val245Ala (NM_001350249.2); short protein forms V245A, V343A, V375A, V42A.
Identifiers: ClinVar variation 3349332 (VCV003349332.1).
Genomic context (GRCh38, chr1:243,316,853, plus strand): 5'-GGAGCAGCTTGGCAGATACGCAGCAAAGAGAAGCAAGTGCTTATGAACAGGTGAAACAAG[T>C]TTTGCAAATATCTGAGGAAGCCAATTTTGAAAAAACCAAGGCAAGTCTAATAAGATGCAA-3'
Protein context (NP_006633.1, residues 333-353): EASAYEQVKQ[Val343Ala]LQISEEANFE

ClinVar aggregate classification (germline): Uncertain significance (0 of 4 stars; one submission).

Conditions:
SDCCAG8-related disorder. Also called: SDCCAG8-Related Disorders; SDCCAG8-related condition.

gnomAD v4.1: 3 of 1,614,166 alleles (0.00019%); highest among the groups gnomAD compares: Middle Eastern, 0.033%; no homozygotes.

Submission:

PreventionGenetics, part of Exact Sciences
Classification: Uncertain significance for SDCCAG8-related condition. Last evaluated: 2024-02-23. Review status: no assertion criteria provided. Collection method: clinical testing. Allele origin: germline.
Comment: The SDCCAG8 c.1028T>C variant is predicted to result in the amino acid substitution p.Val343Ala. To our knowledge, this variant has not been reported in the literature. This variant is reported in 0.0033% of alleles in individuals of South Asian descent in gnomAD. At this time, the clinical significance of this variant is uncertain due to the absence of conclusive functional and genetic evidence.